The following is an entry in ClinVar:

ClinVar aggregate classification (germline): Benign/Likely benign. Review status: criteria provided, multiple submitters, no conflicts (2 of 4 stars). 7 submissions from 7 submitters: Benign (3); Likely benign (4). Last evaluated 2025-12-22.

Conditions:
Developmental and epileptic encephalopathy, 1 (DEE1). Also called: X-linked infantile spasms; West's syndrome; Tonic spasms with clustering, arrest of psychomotor development and hypsarrhythmia on EEG; X-Linked Infantile Spasm Syndrome; Epileptic encephalopathy, early infantile, 1; OHTAHARA SYNDROME, X-LINKED. Identifiers: MedGen C3463992, MONDO:0010632, OMIM 308350. Disease mechanism: loss of function.
Autosomal dominant nonsyndromic hearing loss 65. Also called: Deafness, autosomal dominant 65; TBC1D24-Related Autosomal Dominant Nonsyndromic Hearing Loss (DFNA). Identifiers: Orphanet 90635, MedGen C3892048, MONDO:0014470, OMIM 616044.
Inborn genetic diseases. Identifiers: MedGen C0950123, MeSH D030342.
Familial infantile myoclonic epilepsy (FIME). Also called: TBC1D24-Related Familial Infantile Myoclonic Epilepsy (FIME); Epilepsy, Myoclonic, Infantile. Identifiers: Orphanet 352582, MedGen C0917800, MONDO:0011506, OMIM 605021.

Allele frequency attached by ClinVar (database versions not stated): gnomAD exomes 0.00019 and 0.00067; gnomAD 0.00021 and 0.00027; TOPMed 0.00032; ExAC 0.00076; 1000 Genomes Project 30x 0.00125; 1000 Genomes Project 0.00140.
gnomAD v4.1: 321 of 1,610,412 alleles (0.02%); highest among the groups gnomAD compares: East Asian, 0.52%; no homozygotes.

Submissions (7):

Labcorp Genetics (formerly Invitae), Labcorp
Classification: Benign for Developmental and epileptic encephalopathy, 1; Autosomal dominant nonsyndromic hearing loss 65. Last evaluated: 2025-12-22. Review status: criteria provided, single submitter. Criteria: Invitae Variant Classification Sherloc (09022015). Collection method: clinical testing. Allele origin: germline.

ARUP Laboratories, Molecular Genetics and Genomics, ARUP Laboratories
Classification: Likely benign. Last evaluated: 2025-07-17. Review status: criteria provided, single submitter. Criteria: ARUP Molecular Germline Variant Investigation Process 2024. Collection method: clinical testing. Allele origin: germline.

Blueprint Genetics
Classification: Likely benign. Last evaluated: 2024-09-10. Review status: criteria provided, single submitter. Criteria: ACMG Guidelines, 2015. Collection method: clinical testing. Allele origin: germline.

Illumina Laboratory Services, Illumina
Classification: Likely benign for Familial infantile myoclonic epilepsy. Last evaluated: 2018-01-13. Review status: criteria provided, single submitter. Criteria: ICSL Variant Classification Criteria 13 December 2019. Collection method: clinical testing. Allele origin: germline.
Comment: This variant was observed in the ICSL laboratory as part of a predisposition screen in an ostensibly healthy population. It had not been previously curated by ICSL or reported in the Human Gene Mutation Database (HGMD: prior to June 1st, 2018), and was therefore a candidate for classification through an automated scoring system. Utilizing variant allele frequency, disease prevalence and penetrance estimates, and inheritance mode, an automated score was calculated to assess if this variant is too frequent to cause the disease. Based on the score and internal cut-off values, a variant classified as likely benign is not then subjected to further curation. The score for this variant resulted in a classification of likely benign for this disease.

Ambry Genetics
Classification: Likely benign for Inborn genetic diseases. Last evaluated: 2016-05-06. Review status: criteria provided, single submitter. Criteria: Ambry Variant Classification Scheme 2023. Collection method: clinical testing. Allele origin: germline.

Laboratory for Molecular Medicine, Mass General Brigham Personalized Medicine
Classification: Benign. Last evaluated: 2015-10-20. Review status: criteria provided, single submitter. Criteria: LMM Criteria. Collection method: clinical testing. Allele origin: germline. Observed: 1 variant allele.
Comment: p.Pro358Pro in exon 4 of TBC1D24: This variant is not expected to have clinical significance because it does not alter an amino acid residue and is not located within the splice consensus sequence. It has been identified in 0.9% (59/6908) E ast Asian chromosomes by the Exome Aggregation Consortium (ExAC; dbSNP rs75961715).

GeneDx
Classification: Benign. Last evaluated: 2014-02-26. Review status: criteria provided, single submitter. Criteria: GeneDx Variant Classification (06012015). Collection method: clinical testing. Allele origin: germline. Affected: yes.
Comment: This variant is considered likely benign or benign based on one or more of the following criteria: it is a conservative change, it occurs at a poorly conserved position in the protein, it is predicted to be benign by multiple in silico algorithms, and/or has population frequency not consistent with disease.

NM_001199107.2(TBC1D24):c.1074C>T (p.Pro358=)

Gene: TBC1D24 (TBC1 domain family member 24; plus strand). Cytogenetic location: 16p13.3.
Variant type: single nucleotide variant.
Coding change: c.1074C>T on transcript NM_001199107.2 (MANE Select); coding-DNA position 1074, C replaced by T.
Protein change: p.Pro358=; no amino-acid change (proline 358 retained).
Molecular consequence: synonymous variant.
Genome position (GRCh38, 1-based): chr16:2,498,328, C>T. VCF-style: chr16-2498328-C-T. GRCh37 (hg19) VCF-style: chr16-2548329-C-T.
Other names: p.P352P:CCC>CCT; c.1056C>T, p.Pro352= (NM_020705.3).
Identifiers: ClinVar variation 139398 (VCV000139398.26), dbSNP rs75961715, ClinGen allele CA293872.
Genomic context (GRCh38, chr16:2,498,328, plus strand): 5'-GAACTTCCGCTCGGAGATCGTCAGCGTGAGGGAGATGAGAGACATCTGGTCCTGGGTCCC[C>T]GAGCGCTTTGCCCTGTGCCAGCCCCTTCTGCTGTTCTCCTCCCTGCAGCACGGGTACAGC-3'
Protein context (NP_001186036.1, residues 348-368): REMRDIWSWV[Pro358=]ERFALCQPLL